The following is an entry in ClinVar:

NM_001687.5(ATP5F1D):c.403G>A (p.Glu135Lys)

Genes: ATP5F1D (ATP synthase F1 subunit delta; plus strand), LOC130062904 (ATAC-STARR-seq lymphoblastoid silent region 9674; plus strand). Cytogenetic location: 19p13.3.
Variant type: single nucleotide variant.
Coding change: c.403G>A on transcript NM_001687.5 (MANE Select); coding-DNA position 403, G replaced by A.
Protein change: p.Glu135Lys; replaces glutamic acid 135 with lysine.
Molecular consequence: missense variant.
Genome position (GRCh38, 1-based): chr19:1,244,333, G>A. VCF-style: chr19-1244333-G-A. GRCh37 (hg19) VCF-style: chr19-1244332-G-A.
Other names: c.403G>A, p.Glu135Lys (NM_001001975.2); short protein forms E135K.
Identifiers: ClinVar variation 1957321 (VCV001957321.5), dbSNP rs376783286, ClinGen allele CA9040328.

ClinVar aggregate classification (germline): Uncertain significance (1 of 4 stars; one submission).

Allele frequency attached by ClinVar (database versions not stated): gnomAD 0.00003; gnomAD exomes below 0.00001; ExAC 0.00002; ESP Exome Variant Server 0.00008.
gnomAD v4.1: 6 of 1,593,526 alleles (0.00038%); highest among the groups gnomAD compares: Admixed American, 0.0071%; no homozygotes.

Submission:

Labcorp Genetics (formerly Invitae), Labcorp
Classification: Uncertain significance. Last evaluated: 2025-09-08. Review status: criteria provided, single submitter. Criteria: Invitae Variant Classification Sherloc (09022015). Collection method: clinical testing. Allele origin: germline.
Comment: This sequence change replaces glutamic acid, which is acidic and polar, with lysine, which is basic and polar, at codon 135 of the ATP5D protein (p.Glu135Lys). The frequency data for this variant in the population databases is considered unreliable, as metrics indicate poor data quality at this position in the gnomAD database. This variant has not been reported in the literature in individuals affected with ATP5D-related conditions. ClinVar contains an entry for this variant (Variation ID: 1957321). An algorithm developed to predict the effect of missense changes on protein structure and function (PolyPhen-2) suggests that this variant is likely to be tolerated. In summary, the available evidence is currently insufficient to determine the role of this variant in disease. Therefore, it has been classified as a Variant of Uncertain Significance.